The following is an entry in ClinVar:

ClinVar aggregate classification (germline): Uncertain significance (1 of 4 stars; one submission).

Submission:

GeneDx
Classification: Uncertain significance. Last evaluated: 2023-07-03. Review status: criteria provided, single submitter. Criteria: GeneDx Variant Classification Process June 2021. Collection method: clinical testing. Allele origin: germline. Affected: yes.
Comment: Not observed at significant frequency in large population cohorts (gnomAD); In silico analysis supports that this missense variant has a deleterious effect on protein structure/function; Has not been previously published as pathogenic or benign to our knowledge

NM_182961.4(SYNE1):c.24467T>C (p.Ile8156Thr)

Gene: SYNE1 (spectrin repeat containing nuclear envelope protein 1; minus strand). Cytogenetic location: 6q25.2.
Variant type: single nucleotide variant.
Coding change: c.24467T>C on transcript NM_182961.4 (MANE Select); coding-DNA position 24467, T replaced by C.
Protein change: p.Ile8156Thr; replaces isoleucine 8156 with threonine.
Molecular consequence: missense variant.
Genome position (GRCh38, 1-based): chr6:152,149,652, A>G on the plus strand (T>C on the coding strand, the complement: SYNE1 is on the minus strand). VCF-style: chr6-152149652-A-G. GRCh37 (hg19) VCF-style: chr6-152470787-A-G.
Other names: c.1073T>C, p.Ile358Thr (NM_001347701.2); c.932T>C, p.Ile311Thr (NM_001347702.2); c.24254T>C, p.Ile8085Thr (NM_033071.5); short protein forms I311T, I358T, I8085T, I8156T.
Identifiers: ClinVar variation 3360695 (VCV003360695.1).